The following is an entry in ClinVar:

ClinVar aggregate classification (germline): Uncertain significance (1 of 4 stars; one submission).

Conditions:
Inosine triphosphatase deficiency. Also called: INOSINE TRIPHOSPHATE PYROPHOSPHOHYDROLASE DEFICIENCY. Identifiers: MedGen C0342800, MONDO:0013461, OMIM 613850.

Allele frequency attached by ClinVar (database versions not stated): gnomAD exomes 0.00001.
gnomAD v4.1: 8 of 1,613,886 alleles (0.0005%); highest among the groups gnomAD compares: Non-Finnish European, 0.00068%; no homozygotes.

Submission:

Labcorp Genetics (formerly Invitae), Labcorp
Classification: Uncertain significance for Inosine triphosphatase deficiency. Last evaluated: 2022-06-27. Review status: criteria provided, single submitter. Criteria: Invitae Variant Classification Sherloc (09022015). Collection method: clinical testing. Allele origin: germline.
Comment: This sequence change replaces arginine, which is basic and polar, with histidine, which is basic and polar, at codon 178 of the ITPA protein (p.Arg178His). This variant is present in population databases (no rsID available, gnomAD 0.0008%). This variant has not been reported in the literature in individuals affected with ITPA-related conditions. ClinVar contains an entry for this variant (Variation ID: 1054179). Algorithms developed to predict the effect of missense changes on protein structure and function (SIFT, PolyPhen-2, Align-GVGD) all suggest that this variant is likely to be disruptive. In summary, the available evidence is currently insufficient to determine the role of this variant in disease. Therefore, it has been classified as a Variant of Uncertain Significance.

NM_033453.4(ITPA):c.533G>A (p.Arg178His)

Gene: ITPA (inosine triphosphatase; plus strand). Cytogenetic location: 20p13.
Variant type: single nucleotide variant.
Coding change: c.533G>A on transcript NM_033453.4 (MANE Select); coding-DNA position 533, G replaced by A.
Protein change: p.Arg178His; replaces arginine 178 with histidine.
Molecular consequence: missense variant. On other transcripts: non-coding transcript variant (2), intron variant (1).
Genome position (GRCh38, 1-based): chr20:3,223,410, G>A. VCF-style: chr20-3223410-G-A. GRCh37 (hg19) VCF-style: chr20-3204056-G-A.
Other names: c.410G>A, p.Arg137His (NM_001267623.2); c.196G>A, p.Ala66Thr (NM_001324236.2, NM_001324237.2, NM_001324238.2 and 1 more transcripts); c.482G>A, p.Arg161His (NM_181493.4); c.412-3273G>A (NM_001324240.2); short protein forms A66T, R137H, R161H, R178H.
Identifiers: ClinVar variation 1054179 (VCV001054179.6), dbSNP rs1230934159, ClinGen allele CA408081693.